The following is an entry in ClinVar:

NM_001354604.2(MITF):c.997G>A (p.Glu333Lys)

Gene: MITF (melanocyte inducing transcription factor; plus strand). Cytogenetic location: 3p13.
Variant type: single nucleotide variant.
Coding change: c.997G>A on transcript NM_001354604.2 (MANE Select); coding-DNA position 997, G replaced by A.
Protein change: p.Glu333Lys; replaces glutamic acid 333 with lysine.
Molecular consequence: missense variant.
Genome position (GRCh38, 1-based): chr3:69,956,496, G>A. VCF-style: chr3-69956496-G-A. GRCh37 (hg19) VCF-style: chr3-70005647-G-A.
Other names: c.979G>A, p.Glu327Lys (NM_198159.3); c.931G>A, p.Glu311Lys (NM_198177.3); c.490G>A, p.Glu164Lys (NM_198178.3); c.676G>A, p.Glu226Lys (NM_000248.4); c.823G>A, p.Glu275Lys (NM_001184967.2, NM_001354608.2); c.994G>A, p.Glu332Lys (NM_001354605.2); c.976G>A, p.Glu326Lys (NM_001354606.2, NM_006722.3); c.928G>A, p.Glu310Lys (NM_001354607.2); and 1 more; short protein forms E226K, E164K, E332K, E333K, E275K, E310K, E327K, E311K.
Identifiers: ClinVar variation 547533 (VCV000547533.17), dbSNP rs147682682, ClinGen allele CA2490525.

ClinVar aggregate classification (germline): Uncertain significance. Review status: criteria provided, multiple submitters, no conflicts (2 of 4 stars). 6 submissions from 6 submitters: Uncertain significance (6). Last evaluated 2026-06-22.

Conditions:
MITF-related disorder. Also called: MITF-related condition.
Melanoma, cutaneous malignant, susceptibility to, 8. Also called: Cutaneous malignant melanoma 8; MELANOMA AND RENAL CELL CARCINOMA, SUSCEPTIBILITY TO. Identifiers: Orphanet 293822, MedGen C3152204, MONDO:0013759, OMIM 614456.
Tietz syndrome (TADS). Also called: ALBINISM-DEAFNESS OF TIETZ; HYPOPIGMENTATION/DEAFNESS OF TIETZ; TIETZ ALBINISM-DEAFNESS SYNDROME. Identifiers: Orphanet 42665, MedGen C0391816, MONDO:0007077, OMIM 103500.
Waardenburg syndrome type 2A (WS2A). Also called: WAARDENBURG SYNDROME WITHOUT DYSTOPIA CANTHORUM. Identifiers: Orphanet 3440, MedGen C1860339, MONDO:0008671, OMIM 193510.
Hereditary cancer-predisposing syndrome. Also called: Tumor predisposition; Hereditary neoplastic syndrome; Neoplastic Syndromes, Hereditary; Hereditary Cancer Syndrome. Identifiers: Orphanet 140162, MedGen C0027672, MeSH D009386, MONDO:0015356.

Allele frequency attached by ClinVar (database versions not stated): gnomAD exomes below 0.00001 and 0.00001; ExAC 0.00001; gnomAD 0.00001; TOPMed 0.00002; ESP Exome Variant Server 0.00008.
gnomAD v4.1: 8 of 1,613,626 alleles (0.0005%); highest among the groups gnomAD compares: Non-Finnish European, 0.00068%; no homozygotes.

Submissions (6):

PreventionGenetics, part of Exact Sciences
Classification: Uncertain significance for MITF-related condition. Last evaluated: 2026-06-22. Review status: criteria provided, single submitter. Criteria: ACMG Guidelines, 2015. Collection method: clinical testing. Allele origin: germline.
Comment: The MITF c.676G>A variant is predicted to result in the amino acid substitution p.Glu226Lys. To our knowledge, this variant has not been reported in the literature. One submitter to ClinVar has observed this variant internally in individual(s) with clinical features of Waardenburg syndrome (Variation ID: 547533). This variant is reported in 0.0026% of alleles in individuals of European (Non-Finnish) descent in gnomAD. At this time, the clinical significance of this variant is uncertain due to the absence of conclusive functional and genetic evidence.

Labcorp Genetics (formerly Invitae), Labcorp
Classification: Uncertain significance for Melanoma, cutaneous malignant, susceptibility to, 8; Waardenburg syndrome type 2A; Tietz syndrome. Last evaluated: 2026-02-03. Review status: criteria provided, single submitter. Criteria: Invitae Variant Classification Sherloc (09022015). Collection method: clinical testing. Allele origin: germline.
Comment: This sequence change replaces glutamic acid, which is acidic and polar, with lysine, which is basic and polar, at codon 226 of the MITF protein (p.Glu226Lys). This variant is present in population databases (rs147682682, gnomAD 0.002%). This missense change has been observed in individual(s) with clinical features of Waardenburg syndrome (internal data). ClinVar contains an entry for this variant (Variation ID: 547533). Invitae Evidence Modeling of protein sequence and biophysical properties (such as structural, functional, and spatial information, amino acid conservation, physicochemical variation, residue mobility, and thermodynamic stability) indicates that this missense variant is expected to disrupt MITF protein function with a positive predictive value of 80%. In summary, the available evidence is currently insufficient to determine the role of this variant in disease. Therefore, it has been classified as a Variant of Uncertain Significance.

Ambry Genetics
Classification: Uncertain significance for Hereditary cancer-predisposing syndrome. Last evaluated: 2024-12-12. Review status: criteria provided, single submitter. Criteria: Ambry Variant Classification Scheme 2023. Collection method: clinical testing. Allele origin: germline.
Comment: The p.E226K variant (also known as c.676G>A), located in coding exon 7 of the MITF gene, results from a G to A substitution at nucleotide position 676. The glutamic acid at codon 226 is replaced by lysine, an amino acid with similar properties. This amino acid position is conserved. In addition, this alteration is predicted to be deleterious by in silico analysis. Based on the available evidence, the clinical significance of this variant remains unclear.

GeneDx
Classification: Uncertain significance. Last evaluated: 2024-12-06. Review status: criteria provided, single submitter. Criteria: GeneDx Variant Classification Process June 2021. Collection method: clinical testing. Allele origin: germline. Affected: yes.
Comment: In silico analysis supports that this missense variant has a deleterious effect on protein structure/function; Has not been previously published as pathogenic or benign to our knowledge

Knight Diagnostic Laboratories, Oregon Health and Sciences University
Classification: Uncertain significance. Last evaluated: 2019-04-04. Review status: criteria provided, single submitter. Criteria: ACMG Guidelines, 2015. Collection method: clinical testing. Allele origin: germline. Observed: 2 variant alleles.

Center for Human Genetics, Inc
Classification: Uncertain significance for Waardenburg syndrome type 2A. Last evaluated: 2016-11-01. Review status: criteria provided, single submitter. Criteria: ACMG Guidelines, 2015. Collection method: clinical testing. Allele origin: germline. Affected: yes.